The following is an entry in ClinVar:

ClinVar aggregate classification (germline): Uncertain significance. Review status: criteria provided, multiple submitters, no conflicts (2 of 4 stars). 2 submissions from 2 submitters: Uncertain significance (2). Last evaluated 2023-10-30.

Conditions:
Cardiovascular phenotype. Identifiers: MedGen CN230736.
Catecholaminergic polymorphic ventricular tachycardia 1. Also called: VENTRICULAR TACHYCARDIA, STRESS-INDUCED POLYMORPHIC 1; RYR2-Related Catecholaminergic Polymorphic Ventricular Tachycardia; VENTRICULAR TACHYCARDIA, CATECHOLAMINERGIC POLYMORPHIC, 1, WITH OR WITHOUT ATRIAL DYSFUNCTION AND/OR DILATED CARDIOMYOPATHY. Identifiers: Orphanet 3286, MedGen C1631597, MONDO:0011484, OMIM 604772.

Submissions (2):

Ambry Genetics
Classification: Uncertain significance for Cardiovascular phenotype. Last evaluated: 2023-10-30. Review status: criteria provided, single submitter. Criteria: Ambry Variant Classification Scheme 2023. Collection method: clinical testing. Allele origin: germline.
Comment: The p.L274V variant (also known as c.820C>G), located in coding exon 11 of the RYR2 gene, results from a C to G substitution at nucleotide position 820. The leucine at codon 274 is replaced by valine, an amino acid with highly similar properties. This amino acid position is highly conserved in available vertebrate species. In addition, the in silico prediction for this alteration is inconclusive. Since supporting evidence is limited at this time, the clinical significance of this alteration remains unclear.

Labcorp Genetics (formerly Invitae), Labcorp
Classification: Uncertain significance for Catecholaminergic polymorphic ventricular tachycardia 1. Last evaluated: 2021-12-26. Review status: criteria provided, single submitter. Criteria: Invitae Variant Classification Sherloc (09022015). Collection method: clinical testing. Allele origin: germline.
Comment: In summary, the available evidence is currently insufficient to determine the role of this variant in disease. Therefore, it has been classified as a Variant of Uncertain Significance. Advanced modeling of protein sequence and biophysical properties (such as structural, functional, and spatial information, amino acid conservation, physicochemical variation, residue mobility, and thermodynamic stability) performed at Invitae indicates that this missense variant is expected to disrupt RYR2 protein function. This variant has not been reported in the literature in individuals affected with RYR2-related conditions. This variant is not present in population databases (gnomAD no frequency). This sequence change replaces leucine, which is neutral and non-polar, with valine, which is neutral and non-polar, at codon 274 of the RYR2 protein (p.Leu274Val).

NM_001035.3(RYR2):c.820C>G (p.Leu274Val)

Gene: RYR2 (ryanodine receptor 2; plus strand). Cytogenetic location: 1q43.
Variant type: single nucleotide variant.
Coding change: c.820C>G on transcript NM_001035.3 (MANE Select); coding-DNA position 820, C replaced by G.
Protein change: p.Leu274Val; replaces leucine 274 with valine.
Molecular consequence: missense variant.
Genome position (GRCh38, 1-based): chr1:237,417,095, C>G. VCF-style: chr1-237417095-C-G. GRCh37 (hg19) VCF-style: chr1-237580395-C-G.
Other names: c.820C>G (NM_001035.2); short protein forms L274V.
Identifiers: ClinVar variation 2144737 (VCV002144737.5), dbSNP rs2528016309, ClinGen allele CA345383722.